The following is an entry in ClinVar:

ClinVar aggregate classification (germline): Uncertain significance. Review status: criteria provided, multiple submitters, no conflicts (2 of 4 stars). 6 submissions from 6 submitters: Uncertain significance (6). Last evaluated 2026-03-12.

Conditions:
Cardiovascular phenotype. Identifiers: MedGen CN230736.
Arrhythmogenic cardiomyopathy with wooly hair and keratoderma. Also called: PALMOPLANTAR KERATODERMA WITH LEFT VENTRICULAR CARDIOMYOPATHY AND WOOLLY HAIR; Carvajal syndrome; Dilated cardiomyopathy with woolly hair and keratoderma; Arrhythmogenic cardiomyopathy with woolly hair and keratoderma. Identifiers: Orphanet 65282, MedGen C1854063, MONDO:0011581, OMIM 605676.
Arrhythmogenic right ventricular dysplasia 8 (ARVD8). Also called: Arrhythmogenic Right Ventricular Dysplasia/Cardiomyopathy 8; ARRHYTHMOGENIC RIGHT VENTRICULAR CARDIOMYOPATHY 8; ARRHYTHMOGENIC RIGHT VENTRICULAR DYSPLASIA, FAMILIAL, 8. Identifiers: MedGen C1843896, MONDO:0011831, OMIM 607450.
DSP-related disorder. Also called: DSP-related condition; DSP-related disorders.
Cardiomyopathy, dilated, with wooly hair, keratoderma, and tooth agenesis. Also called: Cardiomyopathy, dilated, with woolly hair, keratoderma, and tooth agenesis; Erythrokeratodermia-cardiomyopathy syndrome. Identifiers: Orphanet 476096, Orphanet 65282, MedGen C4014393, MONDO:0014355, OMIM 615821.
Keratosis palmoplantaris striata 2. Also called: KERATODERMA, PALMOPLANTAR, STRIATE FORM II; STRIATE PALMOPLANTAR KERATODERMA II; Keratosis palmoplantaris striata II. Identifiers: MedGen C1852127, MONDO:0013034, OMIM 612908.
Woolly hair-skin fragility syndrome (WHSF). Identifiers: Orphanet 293165, MedGen C1843292, MONDO:0957307, OMIM 620415.
Lethal acantholytic epidermolysis bullosa (EBLA). Identifiers: Orphanet 158687, MedGen C1864826, MONDO:0012323, OMIM 609638.
Cardiomyopathy (CMYO). Also called: Cardiomyopathies. Identifiers: Orphanet 167848, MedGen C0878544, MONDO:0004994, HP:0001638. Inheritance: Various modes of inheritance.

Allele frequency attached by ClinVar (database versions not stated): gnomAD 0.00001; TOPMed 0.00005.

Submissions (6):

PreventionGenetics, part of Exact Sciences
Classification: Uncertain significance for DSP-related condition. Last evaluated: 2026-03-12. Review status: criteria provided, single submitter. Criteria: ACMG Guidelines, 2015. Collection method: clinical testing. Allele origin: germline.
Comment: The DSP c.3742G>A variant is predicted to result in the amino acid substitution p.Asp1248Asn. To our knowledge, this variant has not been reported in the literature or in a large population database (gnomAD), indicating this variant is rare. At this time, the clinical significance of this variant is uncertain due to the absence of conclusive functional and genetic evidence.

Color Diagnostics, LLC DBA Color Health
Classification: Uncertain significance for Cardiomyopathy. Last evaluated: 2024-03-06. Review status: criteria provided, single submitter. Criteria: ACMG Guidelines, 2015. Collection method: clinical testing. Allele origin: germline.
Comment: This missense variant replaces aspartic acid with asparagine at codon 1248 of the DSP protein. Computational prediction suggests that this variant may not impact protein structure and function (internally defined REVEL score threshold <= 0.5, PMID: 27666373). Splice site prediction tools suggest that this variant may not impact RNA splicing. To our knowledge, functional studies have not been performed for this variant. This variant has not been reported in individuals affected with cardiovascular disorders in the literature. This variant has not been identified in the general population by the Genome Aggregation Database (gnomAD). The available evidence is insufficient to determine the role of this variant in disease conclusively. Therefore, this variant is classified as a Variant of Uncertain Significance.

Labcorp Genetics (formerly Invitae), Labcorp
Classification: Uncertain significance for Arrhythmogenic cardiomyopathy with wooly hair and keratoderma; Arrhythmogenic right ventricular dysplasia 8. Last evaluated: 2024-02-05. Review status: criteria provided, single submitter. Criteria: Invitae Variant Classification Sherloc (09022015). Collection method: clinical testing. Allele origin: germline.
Comment: This sequence change replaces aspartic acid, which is acidic and polar, with asparagine, which is neutral and polar, at codon 1248 of the DSP protein (p.Asp1248Asn). This variant is not present in population databases (gnomAD no frequency). This variant has not been reported in the literature in individuals affected with DSP-related conditions. ClinVar contains an entry for this variant (Variation ID: 922143). An algorithm developed to predict the effect of missense changes on protein structure and function (PolyPhen-2) suggests that this variant is likely to be disruptive. In summary, the available evidence is currently insufficient to determine the role of this variant in disease. Therefore, it has been classified as a Variant of Uncertain Significance.

GeneDx
Classification: Uncertain significance. Last evaluated: 2022-09-28. Review status: criteria provided, single submitter. Criteria: GeneDx Variant Classification Process June 2021. Collection method: clinical testing. Allele origin: germline. Affected: yes.
Comment: Not observed at significant frequency in large population cohorts (gnomAD); In silico analysis supports that this missense variant does not alter protein structure/function; Has not been previously published as pathogenic or benign to our knowledge

Fulgent Genetics
Classification: Uncertain significance for Arrhythmogenic cardiomyopathy with wooly hair and keratoderma; Arrhythmogenic right ventricular dysplasia 8; Lethal acantholytic epidermolysis bullosa; Keratosis palmoplantaris striata 2; Cardiomyopathy, dilated, with wooly hair, keratoderma, and tooth agenesis. Last evaluated: 2021-09-28. Review status: criteria provided, single submitter. Criteria: ACMG Guidelines, 2015. Collection method: clinical testing. Allele origin: unknown.

Ambry Genetics
Classification: Uncertain significance for Cardiovascular phenotype. Last evaluated: 2020-02-26. Review status: criteria provided, single submitter. Criteria: Ambry Variant Classification Scheme 2023. Collection method: clinical testing. Allele origin: germline.
Comment: The p.D1248N variant (also known as c.3742G>A), located in coding exon 23 of the DSP gene, results from a G to A substitution at nucleotide position 3742. The aspartic acid at codon 1248 is replaced by asparagine, an amino acid with highly similar properties. This amino acid position is well conserved in available vertebrate species. In addition, this alteration is predicted to be tolerated by in silico analysis. Since supporting evidence is limited at this time, the clinical significance of this alteration remains unclear.

NM_004415.4(DSP):c.3742G>A (p.Asp1248Asn)

Gene: DSP (desmoplakin; plus strand). Cytogenetic location: 6p24.3.
Variant type: single nucleotide variant.
Coding change: c.3742G>A on transcript NM_004415.4 (MANE Select); coding-DNA position 3742, G replaced by A.
Protein change: p.Asp1248Asn; replaces aspartic acid 1248 with asparagine.
Molecular consequence: missense variant. On other transcripts: intron variant (1).
Genome position (GRCh38, 1-based): chr6:7,579,932, G>A. VCF-style: chr6-7579932-G-A. GRCh37 (hg19) VCF-style: chr6-7580165-G-A.
Other names: c.3742G>A, p.Asp1248Asn (NM_001319034.2); c.3582+160G>A (NM_001008844.3); c.3742G>A (NM_004415.3); short protein forms D1248N.
Identifiers: ClinVar variation 922143 (VCV000922143.15), dbSNP rs989348634, ClinGen allele CA133968702.
Genomic context (GRCh38, chr6:7,579,932, plus strand): 5'-AAAGAGGATGATTCCAAAAATCTTAGAAACCAGCTTGATAGACTTTCAAGGGAAAATCGA[G>A]ATCTGAAGGATGAAATTGTCAGGCTCAATGACAGCATCTTGCAGGCCACTGAGCAGCGAA-3'
Protein context (NP_004406.2, residues 1238-1258): QLDRLSRENR[Asp1248Asn]LKDEIVRLND